The following is an entry in ClinVar:

NM_014679.5(CEP57):c.145G>A (p.Asp49Asn)

Gene: CEP57 (centrosomal protein 57; plus strand). Cytogenetic location: 11q21.
Variant type: single nucleotide variant.
Coding change: c.145G>A on transcript NM_014679.5 (MANE Select); coding-DNA position 145, G replaced by A.
Protein change: p.Asp49Asn; replaces aspartic acid 49 with asparagine.
Molecular consequence: missense variant.
Genome position (GRCh38, 1-based): chr11:95,799,331, G>A. VCF-style: chr11-95799331-G-A. GRCh37 (hg19) VCF-style: chr11-95532495-G-A.
Other names: c.118G>A, p.Asp40Asn (NM_001243776.2); c.145G>A, p.Asp49Asn (NM_001243777.2); c.64G>A, p.Asp22Asn (NM_001363604.2); short protein forms D22N, D40N, D49N.
Identifiers: ClinVar variation 857413 (VCV000857413.9), dbSNP rs368437597, ClinGen allele CA6239373.
Genomic context (GRCh38, chr11:95,799,331, plus strand): 5'-GTTCGGCATTCTTCATCTCCATATGTAGTATATCCTTCGGATAAGCCTTTCCTTAATAGT[G>A]ATCTACGACGCTCCCCAAGTAAGCCTACACTTGCCTATCCAGAAAGCAACAGCAGAGGTA-3'
Protein context (NP_055494.2, residues 39-59): YPSDKPFLNS[Asp49Asn]LRRSPSKPTL

ClinVar aggregate classification (germline): Uncertain significance. Review status: criteria provided, multiple submitters, no conflicts (2 of 4 stars). 2 submissions from 2 submitters: Uncertain significance (2). Last evaluated 2025-10-13.

Conditions:
Inborn genetic diseases. Identifiers: MedGen C0950123, MeSH D030342.
Mosaic variegated aneuploidy syndrome 2 (MVA2). Identifiers: Orphanet 1052, MedGen C3279843, MONDO:0013582, OMIM 614114.

Allele frequency attached by ClinVar (database versions not stated): gnomAD 0.00001; TOPMed 0.00001.

Submissions (2):

Labcorp Genetics (formerly Invitae), Labcorp
Classification: Uncertain significance for Mosaic variegated aneuploidy syndrome 2. Last evaluated: 2025-10-13. Review status: criteria provided, single submitter. Criteria: Invitae Variant Classification Sherloc (09022015). Collection method: clinical testing. Allele origin: germline.
Comment: This sequence change replaces aspartic acid, which is acidic and polar, with asparagine, which is neutral and polar, at codon 49 of the CEP57 protein (p.Asp49Asn). This variant is present in population databases (rs368437597, gnomAD 0.02%). This variant has not been reported in the literature in individuals affected with CEP57-related conditions. ClinVar contains an entry for this variant (Variation ID: 857413). Invitae Evidence Modeling of protein sequence and biophysical properties (such as structural, functional, and spatial information, amino acid conservation, physicochemical variation, residue mobility, and thermodynamic stability) indicates that this missense variant is not expected to disrupt CEP57 protein function with a negative predictive value of 80%. In summary, the available evidence is currently insufficient to determine the role of this variant in disease. Therefore, it has been classified as a Variant of Uncertain Significance.

Ambry Genetics
Classification: Uncertain significance for Inborn genetic diseases. Last evaluated: 2024-11-22. Review status: criteria provided, single submitter. Criteria: Ambry Variant Classification Scheme 2023. Collection method: clinical testing. Allele origin: germline.
Comment: The p.D49N variant (also known as c.145G>A), located in coding exon 2 of the CEP57 gene, results from a G to A substitution at nucleotide position 145. The aspartic acid at codon 49 is replaced by asparagine, an amino acid with highly similar properties. This amino acid position is conserved. In addition, this alteration is predicted to be tolerated by in silico analysis. Based on the available evidence, the clinical significance of this variant remains unclear.